The following is an entry in ClinVar:

ClinVar aggregate classification (germline): Pathogenic (1 of 4 stars; one submission).

Conditions:
Hyperammonemia, type III (NAGSD). Also called: Hyperammonemia due to N-acetylglutamate synthase deficiency. Identifiers: Orphanet 927, MedGen C0268543, MONDO:0009377, OMIM 237310.

Submission:

Labcorp Genetics (formerly Invitae), Labcorp
Classification: Pathogenic for Hyperammonemia, type III. Last evaluated: 2023-02-24. Review status: criteria provided, single submitter. Criteria: Invitae Variant Classification Sherloc (09022015). Collection method: clinical testing. Allele origin: germline.
Comment: For these reasons, this variant has been classified as Pathogenic. This variant has not been reported in the literature in individuals affected with NAGS-related conditions. This variant is not present in population databases (gnomAD no frequency). This sequence change creates a premature translational stop signal (p.Gln126*) in the NAGS gene. It is expected to result in an absent or disrupted protein product. Loss-of-function variants in NAGS are known to be pathogenic (PMID: 12594532).

Literature cited by the submitters: PubMed 12594532.

NM_153006.3(NAGS):c.376C>T (p.Gln126Ter)

Gene: NAGS (N-acetylglutamate synthase; plus strand). Cytogenetic location: 17q21.31.
Variant type: single nucleotide variant.
Coding change: c.376C>T on transcript NM_153006.3 (MANE Select); coding-DNA position 376, C replaced by T.
Protein change: p.Gln126Ter; replaces glutamine 126 with a stop codon.
Molecular consequence: nonsense.
Genome position (GRCh38, 1-based): chr17:44,005,039, C>T. VCF-style: chr17-44005039-C-T. GRCh37 (hg19) VCF-style: chr17-42082407-C-T.
Other names: short protein forms Q126*.
Identifiers: ClinVar variation 2840352 (VCV002840352.3), dbSNP rs942089643, ClinGen allele CA399737787.